The following is an entry in ClinVar:

ClinVar aggregate classification (germline): Likely benign. Review status: criteria provided, multiple submitters, no conflicts (2 of 4 stars). 2 submissions from 2 submitters: Likely benign (2). Last evaluated 2025-09-22.

gnomAD v4.1: 5 of 1,520,210 alleles (0.00033%); highest among the groups gnomAD compares: South Asian, 0.0012%; no homozygotes.

Submissions (2):

Women's Health and Genetics/Laboratory Corporation of America, LabCorp
Classification: Likely benign. Last evaluated: 2025-09-22. Review status: criteria provided, single submitter. Criteria: LabCorp Variant Classification Summary - May 2015. Collection method: clinical testing. Allele origin: germline.
Comment: Variant summary: SOS2 c.2385-19C>A alters a non-conserved nucleotide located at a position not widely known to affect splicing. Consensus agreement among computation tools predict no significant impact on normal splicing. However, these predictions have yet to be confirmed by functional studies. The frequency data for this variant in gnomAD is considered unreliable, as metrics indicate poor data quality at this position. To our knowledge, no occurrence of c.2385-19C>A in individuals affected with SOS2-related conditions and no experimental evidence demonstrating its impact on protein function have been reported. No submitters have cited clinical-significance assessments for this variant to ClinVar. Based on the evidence outlined above, the variant was classified as likely benign.

Blueprint Genetics
Classification: Likely benign. Last evaluated: 2019-10-24. Review status: criteria provided, single submitter. Criteria: ACMG Guidelines, 2015. Collection method: clinical testing. Allele origin: germline.

NM_006939.4(SOS2):c.2385-19C>A

Gene: SOS2 (SOS Ras/Rho guanine nucleotide exchange factor 2; minus strand). Cytogenetic location: 14q21.3.
Variant type: single nucleotide variant.
Coding change: c.2385-19C>A on transcript NM_006939.4 (MANE Select); 19 bases into the intron before coding-DNA position 2385, C replaced by A.
Molecular consequence: intron variant.
Genome position (GRCh38, 1-based): chr14:50,145,615, G>T on the plus strand (C>A on the coding strand, the complement: SOS2 is on the minus strand). VCF-style: chr14-50145615-G-T. GRCh37 (hg19) VCF-style: chr14-50612333-G-T.
Other names: c.2286-19C>A (NM_001411020.1).
Identifiers: ClinVar variation 4536099 (VCV004536099.2).
Genomic context (GRCh38, chr14:50,145,615, plus strand): 5'-TTGGTCCACACACTCCCTACAAGTTCAGACGGTTGAACTTTCCTATGGAATTGAAAATCA[G>T]TGCAACTTAACCTATAAAGGATTTGTATTACTTAAAGATCTTCTAAAACTTAATAAGAAA-3'